The following is an entry in ClinVar:

NM_014159.7(SETD2):c.4634A>G (p.Gln1545Arg)

Gene: SETD2 (SET domain containing 2, histone lysine methyltransferase; minus strand). Cytogenetic location: 3p21.31.
Variant type: single nucleotide variant.
Coding change: c.4634A>G on transcript NM_014159.7 (MANE Select); coding-DNA position 4634, A replaced by G.
Protein change: p.Gln1545Arg; replaces glutamine 1545 with arginine.
Molecular consequence: missense variant. On other transcripts: non-coding transcript variant (1).
Genome position (GRCh38, 1-based): chr3:47,113,957, T>C on the plus strand (A>G on the coding strand, the complement: SETD2 is on the minus strand). VCF-style: chr3-47113957-T-C. GRCh37 (hg19) VCF-style: chr3-47155447-T-C.
Other names: c.4502A>G, p.Gln1501Arg (NM_001349370.3); short protein forms Q1501R, Q1545R.
Identifiers: ClinVar variation 1800983 (VCV001800983.2), dbSNP rs1419227458, ClinGen allele CA352515954.

ClinVar aggregate classification (germline): Uncertain significance (1 of 4 stars; one submission).

Allele frequency attached by ClinVar (database versions not stated): gnomAD exomes below 0.00001.
gnomAD v4.1: 1 of 1,613,584 alleles (0.000062%); highest among the groups gnomAD compares: Non-Finnish European, 0.000085%; no homozygotes.

Submission:

GeneDx
Classification: Uncertain significance. Last evaluated: 2025-01-23. Review status: criteria provided, single submitter. Criteria: GeneDx Variant Classification Process June 2021. Collection method: clinical testing. Allele origin: germline.
Comment: In silico analysis supports that this missense variant has a deleterious effect on protein structure/function; Has not been previously published as pathogenic or benign to our knowledge